The following is an entry in ClinVar:

ClinVar aggregate classification (germline): Likely benign. Review status: criteria provided, multiple submitters, no conflicts (2 of 4 stars). 3 submissions from 3 submitters: Likely benign (3). Last evaluated 2026-01-24.

Conditions:
Leber congenital amaurosis 3 (LCA3). Also called: SPATA7-Related Retinitis Pigmentosa. Identifiers: MedGen C1858677, MONDO:0011415, OMIM 604232.
SPATA7-related disorder. Also called: SPATA7-related condition; SPATA7-related disorders. Identifiers: MedGen CN239422.

Allele frequency attached by ClinVar (database versions not stated): gnomAD exomes 0.00002; ExAC 0.00005; TOPMed 0.00006; gnomAD 0.00011; 1000 Genomes Project 30x 0.00062; 1000 Genomes Project 0.00080.
gnomAD v4.1: 58 of 1,612,144 alleles (0.0036%); highest among the groups gnomAD compares: African/African-American, 0.061%; 1 homozygote.

Submissions (3):

Labcorp Genetics (formerly Invitae), Labcorp
Classification: Likely benign for Leber congenital amaurosis 3. Last evaluated: 2026-01-24. Review status: criteria provided, single submitter. Criteria: Invitae Variant Classification Sherloc (09022015). Collection method: clinical testing. Allele origin: germline.

PreventionGenetics, part of Exact Sciences
Classification: Likely benign for SPATA7-related condition. Last evaluated: 2025-08-09. Review status: criteria provided, single submitter. Criteria: ACMG Guidelines, 2015. Collection method: clinical testing. Allele origin: germline.
Comment: This variant is classified as likely benign based on ACMG/AMP sequence variant interpretation guidelines (Richards et al. 2015 PMID: 25741868, with internal and published modifications).

Blueprint Genetics
Classification: Likely benign. Last evaluated: 2022-10-28. Review status: criteria provided, single submitter. Criteria: ACMG Guidelines, 2015. Collection method: clinical testing. Allele origin: germline.

NM_018418.5(SPATA7):c.834G>A (p.Gln278=)

Gene: SPATA7 (spermatogenesis associated 7; plus strand). Cytogenetic location: 14q31.3.
Variant type: single nucleotide variant.
Coding change: c.834G>A on transcript NM_018418.5 (MANE Select); coding-DNA position 834, G replaced by A.
Protein change: p.Gln278=; no amino-acid change (glutamine 278 retained).
Molecular consequence: synonymous variant.
Genome position (GRCh38, 1-based): chr14:88,426,693, G>A. VCF-style: chr14-88426693-G-A. GRCh37 (hg19) VCF-style: chr14-88893037-G-A.
Other names: c.834G>A (NM_018418.4); c.738G>A, p.Gln246= (NM_001040428.4).
Identifiers: ClinVar variation 1113890 (VCV001113890.11), dbSNP rs149878757, ClinGen allele CA7298601.